The following is an entry in ClinVar:

ClinVar aggregate classification (germline): Uncertain significance (1 of 4 stars; one submission).

Submission:

GeneDx
Classification: Uncertain significance. Last evaluated: 2024-09-30. Review status: criteria provided, single submitter. Criteria: GeneDx Variant Classification Process June 2021. Collection method: clinical testing. Allele origin: germline. Affected: yes.
Comment: Not observed at significant frequency in large population cohorts (gnomAD); In silico analysis indicates that this missense variant does not alter protein structure/function; Has not been previously published as pathogenic or benign to our knowledge

NM_003482.4(KMT2D):c.2646G>T (p.Leu882Phe)

Gene: KMT2D (lysine methyltransferase 2D; minus strand). Cytogenetic location: 12q13.12.
Variant type: single nucleotide variant.
Coding change: c.2646G>T on transcript NM_003482.4 (MANE Select); coding-DNA position 2646, G replaced by T.
Protein change: p.Leu882Phe; replaces leucine 882 with phenylalanine.
Molecular consequence: missense variant.
Genome position (GRCh38, 1-based): chr12:49,051,037, C>A on the plus strand (G>T on the coding strand, the complement: KMT2D is on the minus strand). VCF-style: chr12-49051037-C-A. GRCh37 (hg19) VCF-style: chr12-49444820-C-A.
Other names: short protein forms L882F.
Identifiers: ClinVar variation 3774769 (VCV003774769.1).